The following is an entry in ClinVar:

ClinVar aggregate classification (germline): Uncertain significance (1 of 4 stars; one submission).

Allele frequency attached by ClinVar (database versions not stated): gnomAD exomes below 0.00001.
gnomAD v4.1: 2 of 1,614,158 alleles (0.00012%); highest among the groups gnomAD compares: Admixed American, 0.0017%; no homozygotes.

Submission:

GeneDx
Classification: Uncertain significance. Last evaluated: 2021-04-15. Review status: criteria provided, single submitter. Criteria: GeneDx Variant Classification Process June 2021. Collection method: clinical testing. Allele origin: germline. Affected: yes.
Comment: Not observed at a significant frequency in large population cohorts (Lek et al., 2016); In silico analysis supports that this missense variant has a deleterious effect on protein structure/function; Has not been previously published as pathogenic or benign to our knowledge

NM_000026.4(ADSL):c.562C>T (p.Arg188Cys)

Gene: ADSL (adenylosuccinate lyase; plus strand). Cytogenetic location: 22q13.1.
Variant type: single nucleotide variant.
Coding change: c.562C>T on transcript NM_000026.4 (MANE Select); coding-DNA position 562, C replaced by T.
Protein change: p.Arg188Cys; replaces arginine 188 with cysteine.
Molecular consequence: missense variant. On other transcripts: non-coding transcript variant (1).
Genome position (GRCh38, 1-based): chr22:40,358,943, C>T. VCF-style: chr22-40358943-C-T. GRCh37 (hg19) VCF-style: chr22-40754947-C-T.
Other names: c.562C>T, p.Arg188Cys (NM_001123378.3, NM_001363840.3); c.370C>T, p.Arg124Cys (NM_001317923.2); short protein forms R124C, R188C.
Identifiers: ClinVar variation 1303660 (VCV001303660.2), dbSNP rs371892194, ClinGen allele CA411640932.
Genomic context (GRCh38, chr22:40,358,943, plus strand): 5'-GTTGGGAAACGTTGCTGTCTTTGGATTCAGGATCTTTGCATGGATCTCCAGAACTTGAAG[C>T]GTGTCCGAGATGACCTGCGCTTCCGGGGAGTAAAGGGTACCACTGGCACTCAGGCCAGTT-3'
Protein context (NP_000017.1, residues 178-198): DLCMDLQNLK[Arg188Cys]VRDDLRFRGV